The following is an entry in ClinVar:

NM_001312909.2(FAM111A):c.484del (p.Ser162fs)

Gene: FAM111A (FAM111 trypsin like peptidase A; plus strand). Cytogenetic location: 11q12.1.
Variant type: Deletion.
Coding change: c.484del on transcript NM_001312909.2 (MANE Select); coding-DNA position 484, one base deleted (A; older notation c.484delA).
Protein change: p.Ser162fs; shifts the reading frame from serine 162.
Molecular consequence: frameshift variant.
Genome position (GRCh38, 1-based): chr11:59,152,152, A deleted; the last of 4 consecutive A bases (chr11:59,152,149-59,152,152); deleting any one gives the same sequence. VCF-style (leftmost placement, unchanged base first): chr11-59152148-TA-T. GRCh37 (hg19) VCF-style: chr11-58919621-TA-T.
Other names: c.484del, p.Ser162fs (NM_001142519.3, NM_001142520.3, NM_001142521.3 and 29 more transcripts); short protein forms S162fs.
Identifiers: ClinVar variation 2632430 (VCV002632430.1), dbSNP rs751806560, ClinGen allele CA6016583.

ClinVar aggregate classification (germline): Uncertain significance (1 of 4 stars; one submission).

Conditions:
FAM111A-related disorder. Also called: FAM111A-related condition.

Submission:

PreventionGenetics, part of Exact Sciences
Classification: Uncertain significance for FAM111A-related condition. Last evaluated: 2023-06-12. Review status: criteria provided, single submitter. Criteria: ACMG Guidelines, 2015. Collection method: clinical testing. Allele origin: germline.
Comment: The FAM111A c.484delA variant is predicted to result in a frameshift and premature protein termination (p.Ser162Valfs*89). To our knowledge, this variant has not been reported in the literature. This variant is reported in 0.0033% of alleles in individuals of South Asian descent in gnomAD. Of note, loss of function variants have not commonly been reported in the FAM111A gene. At this time, the clinical significance of this variant is uncertain due to the absence of conclusive functional and genetic evidence.